The following is an entry in ClinVar:

NM_006662.3(SRCAP):c.4100C>T (p.Thr1367Ile)

Gene: SRCAP (Snf2 related CREBBP activator protein; plus strand). Cytogenetic location: 16p11.2.
Variant type: single nucleotide variant.
Coding change: c.4100C>T on transcript NM_006662.3 (MANE Select); coding-DNA position 4100, C replaced by T.
Protein change: p.Thr1367Ile; replaces threonine 1367 with isoleucine.
Molecular consequence: missense variant.
Genome position (GRCh38, 1-based): chr16:30,723,170, C>T. VCF-style: chr16-30723170-C-T. GRCh37 (hg19) VCF-style: chr16-30734491-C-T.
Other names: short protein forms T1367I.
Identifiers: ClinVar variation 2804209 (VCV002804209.3), dbSNP rs140099605, ClinGen allele CA280512846.

ClinVar aggregate classification (germline): Uncertain significance (1 of 4 stars; one submission).

Allele frequency attached by ClinVar (database versions not stated): gnomAD exomes below 0.00001; gnomAD 0.00001; TOPMed 0.00003; ESP Exome Variant Server 0.00008.
gnomAD v4.1: 4 of 1,614,046 alleles (0.00025%); highest among the groups gnomAD compares: African/African-American, 0.004%; no homozygotes.

Submission:

Labcorp Genetics (formerly Invitae), Labcorp
Classification: Uncertain significance. Last evaluated: 2022-12-17. Review status: criteria provided, single submitter. Criteria: Invitae Variant Classification Sherloc (09022015). Collection method: clinical testing. Allele origin: germline.
Comment: This variant is present in population databases (rs140099605, gnomAD 0.01%). This sequence change replaces threonine, which is neutral and polar, with isoleucine, which is neutral and non-polar, at codon 1367 of the SRCAP protein (p.Thr1367Ile). This variant has not been reported in the literature in individuals affected with SRCAP-related conditions. In summary, the available evidence is currently insufficient to determine the role of this variant in disease. Therefore, it has been classified as a Variant of Uncertain Significance. Advanced modeling of protein sequence and biophysical properties (such as structural, functional, and spatial information, amino acid conservation, physicochemical variation, residue mobility, and thermodynamic stability) performed at Invitae indicates that this missense variant is not expected to disrupt SRCAP protein function.